The following is an entry in ClinVar:

NM_001040108.2(MLH3):c.2633C>A (p.Ser878Tyr)

Gene: MLH3 (mutL homolog 3; minus strand). Cytogenetic location: 14q24.3.
Variant type: single nucleotide variant.
Coding change: c.2633C>A on transcript NM_001040108.2 (MANE Select); coding-DNA position 2633, C replaced by A.
Protein change: p.Ser878Tyr; replaces serine 878 with tyrosine.
Molecular consequence: missense variant.
Genome position (GRCh38, 1-based): chr14:75,047,023, G>T on the plus strand (C>A on the coding strand, the complement: MLH3 is on the minus strand). VCF-style: chr14-75047023-G-T. GRCh37 (hg19) VCF-style: chr14-75513726-G-T.
Other names: c.2633C>A, p.Ser878Tyr (NM_014381.3); short protein forms S878Y.
Identifiers: ClinVar variation 1794084 (VCV001794084.3), dbSNP rs1170469656, ClinGen allele CA390439333.
Genomic context (GRCh38, chr14:75,047,023, plus strand): 5'-TCATTAAAACGACTCATCATCCCCATTGTTTGAGTTTCTCTTTCGGAACCCTTCAGTCTG[G>T]ATAATTTAGAGGCTAGTGATTCAGATGACTTCTCAAGGTCCAAAGGTTTTCTATTAAAGA-3'
Protein context (NP_001035197.1, residues 868-888): KSSESLASKL[Ser878Tyr]RLKGSERETQ

ClinVar aggregate classification (germline): Uncertain significance (1 of 4 stars; one submission).

Submission:

Ambry Genetics
Classification: Uncertain significance. Last evaluated: 2025-02-23. Review status: criteria provided, single submitter. Criteria: Ambry Variant Classification Scheme 2023. Collection method: clinical testing. Allele origin: germline.
Comment: The p.S878Y variant (also known as c.2633C>A), located in coding exon 1 of the MLH3 gene, results from a C to A substitution at nucleotide position 2633. The serine at codon 878 is replaced by tyrosine, an amino acid with dissimilar properties. This amino acid position is conserved. In addition, the in silico prediction for this alteration is inconclusive. Since supporting evidence is limited at this time, the clinical significance of this alteration remains unclear.